The following is an entry in ClinVar:

NM_018723.4(RBFOX1):c.1066G>A (p.Ala356Thr)

Genes: RBFOX1 (RNA binding fox-1 homolog 1; plus strand), LOC126862279 (MED14-independent group 3 enhancer GRCh37_chr16:7758954-7760153; plus strand). Cytogenetic location: 16p13.3.
Variant type: single nucleotide variant.
Coding change: c.1066G>A on transcript NM_018723.4 (MANE Select); coding-DNA position 1066, G replaced by A.
Protein change: p.Ala356Thr; replaces alanine 356 with threonine.
Molecular consequence: missense variant. On other transcripts: synonymous variant (18).
Genome position (GRCh38, 1-based): chr16:7,709,126, G>A. VCF-style: chr16-7709126-G-A. GRCh37 (hg19) VCF-style: chr16-7759128-G-A.
Other names: c.985G>A, p.Ala329Thr (NM_001142333.2); c.1066G>A, p.Ala356Thr (NM_001142334.2); c.1195G>A, p.Ala399Thr (NM_001308117.1, NM_001415891.1); c.1119G>A, p.Val373= (NM_001364800.2); c.1174G>A, p.Ala392Thr (NM_001415892.1, NM_001415894.1); c.1248G>A, p.Val416= (NM_001411047.1, NM_001415895.1); c.1716G>A, p.Val572= (NM_001415887.1); c.1582G>A, p.Ala528Thr (NM_001415888.1); and 23 more; short protein forms A325T, A329T, A334T, A341T, A350T, A354T, A356T, A358T.
Identifiers: ClinVar variation 3625326 (VCV003625326.2).

ClinVar aggregate classification (germline): Uncertain significance (1 of 4 stars; one submission).

Conditions:
Idiopathic generalized epilepsy. Also called: EIG; Generalised epilepsy. Identifiers: MedGen C0270850, MONDO:0005579, OMIM 600669.

gnomAD v4.1: 8 of 1,612,494 alleles (0.0005%); highest among the groups gnomAD compares: Admixed American, 0.0033%; no homozygotes.

Submission:

Labcorp Genetics (formerly Invitae), Labcorp
Classification: Uncertain significance for Idiopathic generalized epilepsy. Last evaluated: 2024-08-14. Review status: criteria provided, single submitter. Criteria: Invitae Variant Classification Sherloc (09022015). Collection method: clinical testing. Allele origin: germline.
Comment: This sequence change replaces alanine, which is neutral and non-polar, with threonine, which is neutral and polar, at codon 377 of the RBFOX1 protein (p.Ala377Thr). This variant is not present in population databases (gnomAD no frequency). This variant has not been reported in the literature in individuals affected with RBFOX1-related conditions. An algorithm developed to predict the effect of missense changes on protein structure and function (PolyPhen-2) suggests that this variant is likely to be tolerated. In summary, the available evidence is currently insufficient to determine the role of this variant in disease. Therefore, it has been classified as a Variant of Uncertain Significance.